The following is an entry in ClinVar:

ClinVar aggregate classification (germline): Uncertain significance. Review status: criteria provided, multiple submitters, no conflicts (2 of 4 stars). 2 submissions from 2 submitters: Uncertain significance (2). Last evaluated 2025-07-15.

Conditions:
Inborn genetic diseases. Identifiers: MedGen C0950123, MeSH D030342.

Allele frequency attached by ClinVar (database versions not stated): gnomAD 0.00001; TOPMed 0.00001; gnomAD exomes 0.00002 and 0.00003.
gnomAD v4.1: 46 of 1,613,772 alleles (0.0029%); highest among the groups gnomAD compares: Non-Finnish European, 0.0038%; no homozygotes.

Submissions (2):

Ambry Genetics
Classification: Uncertain significance for Inborn genetic diseases. Last evaluated: 2025-07-15. Review status: criteria provided, single submitter. Criteria: Ambry Variant Classification Scheme 2023. Collection method: clinical testing. Allele origin: germline.

Labcorp Genetics (formerly Invitae), Labcorp
Classification: Uncertain significance. Last evaluated: 2025-01-06. Review status: criteria provided, single submitter. Criteria: Invitae Variant Classification Sherloc (09022015). Collection method: clinical testing. Allele origin: germline.
Comment: This sequence change replaces isoleucine, which is neutral and non-polar, with valine, which is neutral and non-polar, at codon 1377 of the MPDZ protein (p.Ile1377Val). This variant is present in population databases (no rsID available, gnomAD 0.003%). This variant has not been reported in the literature in individuals affected with MPDZ-related conditions. ClinVar contains an entry for this variant (Variation ID: 1008927). An algorithm developed to predict the effect of missense changes on protein structure and function outputs the following: PolyPhen-2: "Benign". The valine amino acid residue is found in multiple mammalian species, which suggests that this missense change does not adversely affect protein function. In summary, the available evidence is currently insufficient to determine the role of this variant in disease. Therefore, it has been classified as a Variant of Uncertain Significance.

NM_001378778.1(MPDZ):c.4129A>G (p.Ile1377Val)

Gene: MPDZ (multiple PDZ domain crumbs cell polarity complex component; minus strand). Cytogenetic location: 9p23.
Variant type: single nucleotide variant.
Coding change: c.4129A>G on transcript NM_001378778.1 (MANE Select); coding-DNA position 4129, A replaced by G.
Protein change: p.Ile1377Val; replaces isoleucine 1377 with valine.
Molecular consequence: missense variant.
Genome position (GRCh38, 1-based): chr9:13,138,028, T>C on the plus strand (A>G on the coding strand, the complement: MPDZ is on the minus strand). VCF-style: chr9-13138028-T-C. GRCh37 (hg19) VCF-style: chr9-13138027-T-C.
Other names: c.4030A>G, p.Ile1344Val (NM_001261406.2, NM_001261407.2, NM_001375416.1 and 3 more transcripts); c.4129A>G, p.Ile1377Val (NM_001330637.2, NM_001375413.1, NM_003829.5); c.3919A>G, p.Ile1307Val (NM_001375420.1, NM_001375421.1, NM_001375422.1 and 4 more transcripts); c.3721A>G, p.Ile1241Val (NM_001375427.1); c.4129A>G (NM_003829.3); short protein forms I1241V, I1307V, I1344V, I1377V.
Identifiers: ClinVar variation 1008927 (VCV001008927.9), dbSNP rs1386658616, ClinGen allele CA372949177.